The following is an entry in ClinVar:

NM_014321.4(ORC6):c.631+5G>A

Gene: ORC6 (origin recognition complex subunit 6; plus strand). Cytogenetic location: 16q11.2.
Variant type: single nucleotide variant.
Coding change: c.631+5G>A on transcript NM_014321.4 (MANE Select); 5 bases into the intron after coding-DNA position 631, G replaced by A.
Molecular consequence: intron variant.
Genome position (GRCh38, 1-based): chr16:46,696,090, G>A. VCF-style: chr16-46696090-G-A. GRCh37 (hg19) VCF-style: chr16-46730002-G-A.
Identifiers: ClinVar variation 2060086 (VCV002060086.4), dbSNP rs1220055280, ClinGen allele CA622179799.
Genomic context (GRCh38, chr16:46,696,090, plus strand): 5'-TGTAGCTACTCCACCACGGAAGAGAAAGAAGATAGTGGTTGAAGCCCCAGCAAAGGGTAA[G>A]TTTTACTAACACGGTACTGACGTTGACATTTTATGCAGTGAACAGCCCAGTGCTGCTCTA-3'

ClinVar aggregate classification (germline): Uncertain significance (1 of 4 stars; one submission).

Allele frequency attached by ClinVar (database versions not stated): gnomAD exomes below 0.00001.

Submission:

Labcorp Genetics (formerly Invitae), Labcorp
Classification: Uncertain significance. Last evaluated: 2021-12-25. Review status: criteria provided, single submitter. Criteria: Invitae Variant Classification Sherloc (09022015). Collection method: clinical testing. Allele origin: germline.
Comment: In summary, the available evidence is currently insufficient to determine the role of this variant in disease. Therefore, it has been classified as a Variant of Uncertain Significance. Variants that disrupt the consensus splice site are a relatively common cause of aberrant splicing (PMID: 17576681, 9536098). Algorithms developed to predict the effect of sequence changes on RNA splicing suggest that this variant may disrupt the consensus splice site. This variant has not been reported in the literature in individuals affected with ORC6-related conditions. This variant is present in population databases (no rsID available, gnomAD 0.003%). This sequence change falls in intron 6 of the ORC6 gene. It does not directly change the encoded amino acid sequence of the ORC6 protein. It affects a nucleotide within the consensus splice site.

Literature cited by the submitters: PubMed 17576681; PubMed 9536098.